The following is an entry in ClinVar:

ClinVar aggregate classification (germline): Uncertain significance. Review status: criteria provided, multiple submitters, no conflicts (2 of 4 stars). 2 submissions from 2 submitters: Uncertain significance (2). Last evaluated 2022-05-27.

Conditions:
Congenital neutropenia-myelofibrosis-nephromegaly syndrome. Also called: Severe congenital neutropenia 5, autosomal recessive. Identifiers: Orphanet 369852, MedGen C3809031, MONDO:0014118, OMIM 615285.

Allele frequency attached by ClinVar (database versions not stated): gnomAD exomes below 0.00001 and 0.00001.
gnomAD v4.1: 2 of 1,614,138 alleles (0.00012%); highest among the groups gnomAD compares: Non-Finnish European, 0.00017%; no homozygotes.

Submissions (2):

Blueprint Genetics
Classification: Uncertain significance. Last evaluated: 2022-05-27. Review status: criteria provided, single submitter. Criteria: ACMG Guidelines, 2015. Collection method: clinical testing. Allele origin: germline.

Labcorp Genetics (formerly Invitae), Labcorp
Classification: Uncertain significance for Congenital neutropenia-myelofibrosis-nephromegaly syndrome. Last evaluated: 2021-11-11. Review status: criteria provided, single submitter. Criteria: Invitae Variant Classification Sherloc (09022015). Collection method: clinical testing. Allele origin: germline.
Comment: This sequence change replaces serine, which is neutral and polar, with alanine, which is neutral and non-polar, at codon 156 of the VPS45 protein (p.Ser156Ala). This variant is present in population databases (no rsID available, gnomAD 0.002%). This variant has not been reported in the literature in individuals affected with VPS45-related conditions. Algorithms developed to predict the effect of missense changes on protein structure and function (SIFT, PolyPhen-2, Align-GVGD) all suggest that this variant is likely to be tolerated. In summary, the available evidence is currently insufficient to determine the role of this variant in disease. Therefore, it has been classified as a Variant of Uncertain Significance.

NM_007259.5(VPS45):c.466T>G (p.Ser156Ala)

Gene: VPS45 (vacuolar protein sorting 45 homolog; plus strand). Cytogenetic location: 1q21.2.
Variant type: single nucleotide variant.
Coding change: c.466T>G on transcript NM_007259.5 (MANE Select); coding-DNA position 466, T replaced by G.
Protein change: p.Ser156Ala; replaces serine 156 with alanine.
Molecular consequence: missense variant. On other transcripts: intron variant (1).
Genome position (GRCh38, 1-based): chr1:150,077,121, T>G. VCF-style: chr1-150077121-T-G. GRCh37 (hg19) VCF-style: chr1-150049199-T-G.
Other names: c.358T>G, p.Ser120Ala (NM_001279354.2); c.262-548T>G (NM_001279353.2); short protein forms S120A, S156A.
Identifiers: ClinVar variation 1361830 (VCV001361830.7), dbSNP rs1553798269, ClinGen allele CA342264422.